The following is an entry in ClinVar:

ClinVar aggregate classification (germline): Uncertain significance (1 of 4 stars; one submission).

Submission:

Labcorp Genetics (formerly Invitae), Labcorp
Classification: Uncertain significance. Last evaluated: 2024-06-05. Review status: criteria provided, single submitter. Criteria: Invitae Variant Classification Sherloc (09022015). Collection method: clinical testing. Allele origin: germline.
Comment: This sequence change replaces serine, which is neutral and polar, with alanine, which is neutral and non-polar, at codon 287 of the FOXI3 protein (p.Ser287Ala). This variant is not present in population databases (gnomAD no frequency). This variant has not been reported in the literature in individuals affected with FOXI3-related conditions. Experimental studies and prediction algorithms are not available or were not evaluated, and the functional significance of this variant is currently unknown. In summary, the available evidence is currently insufficient to determine the role of this variant in disease. Therefore, it has been classified as a Variant of Uncertain Significance.

NM_001135649.3(FOXI3):c.859T>G (p.Ser287Ala)

Gene: FOXI3 (forkhead box I3; minus strand). Cytogenetic location: 2p11.2.
Variant type: single nucleotide variant.
Coding change: c.859T>G on transcript NM_001135649.3 (MANE Select); coding-DNA position 859, T replaced by G.
Protein change: p.Ser287Ala; replaces serine 287 with alanine.
Molecular consequence: missense variant.
Genome position (GRCh38, 1-based): chr2:88,448,611, A>C on the plus strand (T>G on the coding strand, the complement: FOXI3 is on the minus strand). VCF-style: chr2-88448611-A-C. GRCh37 (hg19) VCF-style: chr2-88748130-A-C.
Other names: short protein forms S287A.
Identifiers: ClinVar variation 3655658 (VCV003655658.2).